The following is an entry in ClinVar:

ClinVar aggregate classification (germline): Benign (1 of 4 stars; one submission).

Allele frequency attached by ClinVar (database versions not stated): gnomAD exomes 0.01868; gnomAD 0.15086 and 0.16090; 1000 Genomes Project 0.16653; TOPMed 0.16747; 1000 Genomes Project 30x 0.17583.
gnomAD v4.1: 31,495 of 600,680 alleles (5.2%); highest among the groups gnomAD compares: African/African-American, 52%; 7,569 homozygotes.

Submission:

GeneDx
Classification: Benign. Last evaluated: 2018-06-14. Review status: criteria provided, single submitter. Criteria: GeneDx Variant Classification (06012015). Collection method: clinical testing. Allele origin: germline. Affected: yes.
Comment: This variant is considered likely benign or benign based on one or more of the following criteria: it is a conservative change, it occurs at a poorly conserved position in the protein, it is predicted to be benign by multiple in silico algorithms, and/or has population frequency not consistent with disease.

NM_022114.4(PRDM16):c.3284+145A>G

Gene: PRDM16 (PR/SET domain 16; plus strand). Cytogenetic location: 1p36.32.
Variant type: single nucleotide variant.
Coding change: c.3284+145A>G on transcript NM_022114.4 (MANE Select); 145 bases into the intron after coding-DNA position 3284, A replaced by G.
Molecular consequence: intron variant.
Genome position (GRCh38, 1-based): chr1:3,426,370, A>G. VCF-style: chr1-3426370-A-G. GRCh37 (hg19) VCF-style: chr1-3342934-A-G.
Other names: c.3284+145A>G (NM_199454.3).
Identifiers: ClinVar variation 674866 (VCV000674866.1), dbSNP rs870170, ClinGen allele CA16985428.